The following is an entry in ClinVar:

NM_001987.5(ETV6):c.222A>T (p.Glu74Asp)

Genes: ETV6 (ETS variant transcription factor 6; plus strand), LOC126861451 (BRD4-independent group 4 enhancer GRCh37_chr12:11991350-11992549; plus strand). Cytogenetic location: 12p13.2.
Variant type: single nucleotide variant.
Coding change: c.222A>T on transcript NM_001987.5 (MANE Select); coding-DNA position 222, A replaced by T.
Protein change: p.Glu74Asp; replaces glutamic acid 74 with aspartic acid.
Molecular consequence: missense variant. On other transcripts: 5 prime UTR variant (1).
Genome position (GRCh38, 1-based): chr12:11,839,198, A>T. VCF-style: chr12-11839198-A-T. GRCh37 (hg19) VCF-style: chr12-11992132-A-T.
Other names: c.222A>T, p.Glu74Asp (NM_001413918.1, NM_001413916.1, NM_001413917.1); c.219A>T, p.Glu73Asp (NM_001413913.1); c.195A>T, p.Glu65Asp (NM_001413914.1); c.-43A>T (NM_001413915.1); short protein forms E65D, E74D, E73D.
Identifiers: ClinVar variation 4826559 (VCV004826559.1).

ClinVar aggregate classification (germline): Uncertain significance (1 of 4 stars; one submission).

Conditions:
Inborn genetic diseases. Identifiers: MedGen C0950123, MeSH D030342.

Submission:

Ambry Genetics
Classification: Uncertain significance for Inborn genetic diseases. Last evaluated: 2026-03-12. Review status: criteria provided, single submitter. Criteria: Ambry Variant Classification Scheme 2023. Collection method: clinical testing. Allele origin: germline.
Comment: The p.E74D variant (also known as c.222A>T), located in coding exon 3 of the ETV6 gene, results from an A to T substitution at nucleotide position 222. The glutamic acid at codon 74 is replaced by aspartic acid, an amino acid with highly similar properties. This amino acid position is conserved. In addition, the in silico prediction for this alteration is inconclusive. Based on the available evidence, the clinical significance of this variant remains unclear.